The following is an entry in ClinVar:

NM_016263.4(FZR1):c.819C>T (p.Arg273=)

Gene: FZR1 (fizzy and cell division cycle 20 related 1; plus strand). Cytogenetic location: 19p13.3.
Variant type: single nucleotide variant.
Coding change: c.819C>T on transcript NM_016263.4 (MANE Select); coding-DNA position 819, C replaced by T.
Protein change: p.Arg273=; no amino-acid change (arginine 273 retained).
Molecular consequence: synonymous variant.
Genome position (GRCh38, 1-based): chr19:3,531,812, C>T. VCF-style: chr19-3531812-C-T. GRCh37 (hg19) VCF-style: chr19-3531810-C-T.
Other names: c.552C>T, p.Arg184= (NM_001136197.1); c.819C>T, p.Arg273= (NM_001136198.1).
Identifiers: ClinVar variation 5039180 (VCV005039180.1).
Genomic context (GRCh38, chr19:3,531,812, plus strand): 5'-GCAGATCTGGGACGCAGCCGCAGGGAAGAAGCTGTCCATGTTGGAGGGCCACACGGCACG[C>T]GTCGGTGAGGAGCCCGGGTCCCATGGCTGGTGAGCTCCCTGAGGCCCCAGCTCCGCGAGG-3'
Protein context (NP_057347.2, residues 263-283): KLSMLEGHTA[Arg273=]VGALAWNAEQ

ClinVar aggregate classification (germline): Likely benign (1 of 4 stars; one submission).

gnomAD v4.1: 184 of 1,549,922 alleles (0.012%); highest among the groups gnomAD compares: Non-Finnish European, 0.015%; 1 homozygote.

Submission:

CeGaT Center for Human Genetics Tuebingen
Classification: Likely benign. Last evaluated: 2026-08-01. Review status: criteria provided, single submitter. Criteria: CeGaT Center For Human Genetics Tuebingen Variant Classification Criteria Version 2. Collection method: clinical testing. Allele origin: germline. Affected: yes. Observed: 1 variant allele.
Comment: FZR1: BP4, BP7